The following is an entry in ClinVar:

ClinVar aggregate classification (germline): Uncertain significance (1 of 4 stars; one submission).

Allele frequency attached by ClinVar (database versions not stated): TOPMed below 0.00001; gnomAD 0.00001; ExAC 0.00002; ESP Exome Variant Server 0.00008.
gnomAD v4.1: 26 of 1,612,912 alleles (0.0016%); highest among the groups gnomAD compares: Non-Finnish European, 0.0018%; no homozygotes.

Submission:

Labcorp Genetics (formerly Invitae), Labcorp
Classification: Uncertain significance. Last evaluated: 2023-07-13. Review status: criteria provided, single submitter. Criteria: Invitae Variant Classification Sherloc (09022015). Collection method: clinical testing. Allele origin: germline.
Comment: This sequence change replaces threonine, which is neutral and polar, with methionine, which is neutral and non-polar, at codon 778 of the POLR3B protein (p.Thr778Met). This variant is present in population databases (rs375480706, gnomAD 0.02%). This variant has not been reported in the literature in individuals affected with POLR3B-related conditions. ClinVar contains an entry for this variant (Variation ID: 2190378). Advanced modeling of protein sequence and biophysical properties (such as structural, functional, and spatial information, amino acid conservation, physicochemical variation, residue mobility, and thermodynamic stability) performed at Invitae indicates that this missense variant is not expected to disrupt POLR3B protein function. In summary, the available evidence is currently insufficient to determine the role of this variant in disease. Therefore, it has been classified as a Variant of Uncertain Significance.

NM_018082.6(POLR3B):c.2333C>T (p.Thr778Met)

Gene: POLR3B (RNA polymerase III subunit B; plus strand). Cytogenetic location: 12q23.3.
Variant type: single nucleotide variant.
Coding change: c.2333C>T on transcript NM_018082.6 (MANE Select); coding-DNA position 2333, C replaced by T.
Protein change: p.Thr778Met; replaces threonine 778 with methionine.
Molecular consequence: missense variant.
Genome position (GRCh38, 1-based): chr12:106,457,177, C>T. VCF-style: chr12-106457177-C-T. GRCh37 (hg19) VCF-style: chr12-106850955-C-T.
Other names: c.2159C>T, p.Thr720Met (NM_001160708.2); short protein forms T778M, T720M.
Identifiers: ClinVar variation 2190378 (VCV002190378.4), dbSNP rs375480706, ClinGen allele CA6762169.